The following is an entry in ClinVar:

ClinVar aggregate classification (germline): Likely pathogenic (1 of 4 stars; one submission).

Conditions:
FOXC1-related disorder. Also called: FOXC1-related condition.

Submission:

3billion
Classification: Likely pathogenic for FOXC1-related disorder. Last evaluated: 2025-05-07. Review status: criteria provided, single submitter. Criteria: ACMG Guidelines, 2015. Collection method: clinical testing. Allele origin: germline. Affected: yes.
Comment: The variant is not observed in the gnomAD v4.1.0 dataset. Predicted Consequence/Location: Frameshift: predicted to result in a loss or disruption of normal protein function through protein truncation. The predicted truncated protein may be shortened by more than 10%. Therefore, this variant is classified as Likely pathogenic according to the recommendation of ACMG/AMP guideline.

NM_001453.3(FOXC1):c.1025_1026del (p.Ala342fs)

Gene: FOXC1 (forkhead box C1; plus strand). Cytogenetic location: 6p25.3.
Variant type: Microsatellite.
Coding change: c.1025_1026del on transcript NM_001453.3 (MANE Select); coding-DNA positions 1025 to 1026, 2 bases deleted (CG; older notation c.1025_1026delCG).
Protein change: p.Ala342fs; shifts the reading frame from alanine 342.
Molecular consequence: frameshift variant.
Genome position (GRCh38, 1-based): chr6:1,611,470-1,611,471, CG deleted; deleting any 2 consecutive bases within chr6:1,611,464-1,611,471 gives the same sequence; the c. name uses the placement nearest the transcript's 3' end. VCF-style (leftmost placement, unchanged base first): chr6-1611463-TCG-T. GRCh37 (hg19) VCF-style: chr6-1611698-TCG-T.
Other names: short protein forms A342fs.
Identifiers: ClinVar variation 4854823 (VCV004854823.1).